The following is an entry in ClinVar:

NM_006946.4(SPTBN2):c.309+127G>A

Gene: SPTBN2 (spectrin beta, non-erythrocytic 2; minus strand). Cytogenetic location: 11q13.2.
Variant type: single nucleotide variant.
Coding change: c.309+127G>A on transcript NM_006946.4 (MANE Select); 127 bases into the intron after coding-DNA position 309, G replaced by A.
Molecular consequence: intron variant.
Genome position (GRCh38, 1-based): chr11:66,715,703, C>T on the plus strand (G>A on the coding strand, the complement: SPTBN2 is on the minus strand). VCF-style: chr11-66715703-C-T. GRCh37 (hg19) VCF-style: chr11-66483174-C-T.
Identifiers: ClinVar variation 1698252 (VCV001698252.2), dbSNP rs11828633, ClinGen allele CA224096726.

ClinVar aggregate classification (germline): Likely benign (1 of 4 stars; one submission).

Allele frequency attached by ClinVar (database versions not stated): gnomAD exomes 0.00068; gnomAD 0.00706 and 0.00765; TOPMed 0.00748; 1000 Genomes Project 0.00759; 1000 Genomes Project 30x 0.00874.
gnomAD v4.1: 1,910 of 1,334,794 alleles (0.14%); highest among the groups gnomAD compares: African/African-American, 2.4%; 29 homozygotes.

Submission:

GeneDx
Classification: Likely benign. Last evaluated: 2022-01-19. Review status: criteria provided, single submitter. Criteria: GeneDx Variant Classification Process June 2021. Collection method: clinical testing. Allele origin: germline. Affected: yes.
Comment: See Variant Classification Assertion Criteria.